The following is an entry in ClinVar:

ClinVar aggregate classification (germline): Uncertain significance (1 of 4 stars; one submission).

Submission:

Labcorp Genetics (formerly Invitae), Labcorp
Classification: Uncertain significance. Last evaluated: 2024-01-06. Review status: criteria provided, single submitter. Criteria: Invitae Variant Classification Sherloc (09022015). Collection method: clinical testing. Allele origin: germline.
Comment: This sequence change affects codon 267 of the RNF113A mRNA. It is a 'silent' change, meaning that it does not change the encoded amino acid sequence of the RNF113A protein. This variant is not present in population databases (gnomAD no frequency). This variant has not been reported in the literature in individuals affected with RNF113A-related conditions. In summary, the available evidence is currently insufficient to determine the role of this variant in disease. Therefore, it has been classified as a Variant of Uncertain Significance.

NM_006978.3(RNF113A):c.801G>A (p.Gln267=)

Gene: RNF113A (ring finger protein 113A; minus strand). Cytogenetic location: Xq24.
Variant type: single nucleotide variant.
Coding change: c.801G>A on transcript NM_006978.3 (MANE Select); coding-DNA position 801, G replaced by A.
Protein change: p.Gln267=; no amino-acid change (glutamine 267 retained).
Molecular consequence: synonymous variant.
Genome position (GRCh38, 1-based): chrX:119,870,813, C>T on the plus strand (G>A on the coding strand, the complement: RNF113A is on the minus strand). VCF-style: chrX-119870813-C-T. GRCh37 (hg19) VCF-style: chrX-119004776-C-T.
Identifiers: ClinVar variation 2708020 (VCV002708020.3), dbSNP rs141717820, ClinGen allele CA518447169.